The following is an entry in ClinVar:

NM_021930.6(RINT1):c.2033T>G (p.Leu678Arg)

Genes: EFCAB10 (EF-hand calcium binding domain 10; minus strand), RINT1 (RAD50 interactor 1; plus strand). Cytogenetic location: 7q22.3.
Variant type: single nucleotide variant.
Coding change: c.2033T>G on transcript NM_021930.6 (MANE Select); coding-DNA position 2033, T replaced by G.
Protein change: p.Leu678Arg; replaces leucine 678 with arginine.
Molecular consequence: missense variant. On other transcripts: 3 prime UTR variant (2), non-coding transcript variant (1).
Genome position (GRCh38, 1-based): chr7:105,565,423, T>G. VCF-style: chr7-105565423-T-G. GRCh37 (hg19) VCF-style: chr7-105205870-T-G.
Other names: c.*24A>C (NM_001355526.2); c.*126A>C (NM_001355530.2); c.384A>C, p.Gln128His (NM_001355531.2); c.1799T>G, p.Leu600Arg (NM_001346599.2); c.1010T>G, p.Leu337Arg (NM_001346600.2, NM_001346603.2); c.1109T>G, p.Leu370Arg (NM_001346601.2); short protein forms L600R, L678R, L370R, L337R, Q128H.
Identifiers: ClinVar variation 1784792 (VCV001784792.2), dbSNP rs2485184672, ClinGen allele CA368814946.

ClinVar aggregate classification (germline): Uncertain significance (1 of 4 stars; one submission).

Submission:

Ambry Genetics
Classification: Uncertain significance. Last evaluated: 2022-05-26. Review status: criteria provided, single submitter. Criteria: Ambry Variant Classification Scheme 2023. Collection method: clinical testing. Allele origin: germline.
Comment: The p.L678R variant (also known as c.2033T>G), located in coding exon 13 of the RINT1 gene, results from a T to G substitution at nucleotide position 2033. The leucine at codon 678 is replaced by arginine, an amino acid with dissimilar properties. This amino acid position is conserved. In addition, this alteration is predicted to be deleterious by in silico analysis. Since supporting evidence is limited at this time, the clinical significance of this alteration remains unclear.